The following is an entry in ClinVar:

ClinVar aggregate classification (germline): Benign (1 of 4 stars; one submission).

Conditions:
Ataxia-telangiectasia syndrome (AT). Also called: Ataxia telangiectasia (A-T); Cerebello-oculocutaneous telangiectasia; Immunodeficiency with ataxia telangiectasia; LOUIS-BAR SYNDROME; AT, COMPLEMENTATION GROUP C; ATAXIA-TELANGIECTASIA, FRESNO VARIANT. Identifiers: Orphanet 100, MedGen C0004135, MONDO:0008840, OMIM 208900.

Allele frequency attached by ClinVar (database versions not stated): gnomAD 0.02215 and 0.02223; TOPMed 0.02379; gnomAD exomes 0.00967; 1000 Genomes Project 0.03235; 1000 Genomes Project 30x 0.03310.
gnomAD v4.1: 3,950 of 217,060 alleles (1.8%); highest among the groups gnomAD compares: African/African-American, 6.9%; 108 homozygotes.

Submission:

Illumina Laboratory Services, Illumina
Classification: Benign for Ataxia-telangiectasia syndrome. Last evaluated: 2018-01-13. Review status: criteria provided, single submitter. Criteria: ICSL Variant Classification Criteria 13 December 2019. Collection method: clinical testing. Allele origin: germline.
Comment: This variant was observed in the ICSL laboratory as part of a predisposition screen in an ostensibly healthy population. It had not been previously curated by ICSL or reported in the Human Gene Mutation Database (HGMD: prior to June 1st, 2018), and was therefore a candidate for classification through an automated scoring system. Utilizing variant allele frequency, disease prevalence and penetrance estimates, and inheritance mode, an automated score was calculated to assess if this variant is too frequent to cause the disease. Based on the score and internal cut-off values, a variant classified as benign is not then subjected to further curation. The score for this variant resulted in a classification of benign for this disease.

NM_000051.4(ATM):c.*2220A>G

Genes: ATM (ATM serine/threonine kinase; plus strand), C11orf65 (chromosome 11 open reading frame 65; minus strand). Cytogenetic location: 11q22.3.
Variant type: single nucleotide variant.
Coding change: c.*2220A>G on transcript NM_000051.4 (MANE Select); 2220 bases downstream of the stop codon, A replaced by G.
Molecular consequence: 3 prime UTR variant. On other transcripts: intron variant (2).
Genome position (GRCh38, 1-based): chr11:108,367,728, A>G. VCF-style: chr11-108367728-A-G. GRCh37 (hg19) VCF-style: chr11-108238455-A-G.
Other names: c.*2220A>G (NM_001351834.2); c.640+18192T>C (NM_001330368.2); c.694+18192T>C (NM_001351110.2).
Identifiers: ClinVar variation 302279 (VCV000302279.7), dbSNP rs75293772, ClinGen allele CA10637015.
Genomic context (GRCh38, chr11:108,367,728, plus strand): 5'-CTTTTTATTGCCAATGGCAGGCACTCATTCATATTTGATCTCCTCACCTTCCCCTCCCCT[A>G]AAACCAATCTCCAGAACTTTTTGGACTATAAATTTCTTGGTTTGACTTCTGGAGAACTGT-3'